The following is an entry in ClinVar:

NM_004100.5(EYA4):c.191C>A (p.Thr64Asn)

Gene: EYA4 (EYA transcriptional coactivator and phosphatase 4; plus strand). Cytogenetic location: 6q23.2.
Variant type: single nucleotide variant.
Coding change: c.191C>A on transcript NM_004100.5 (MANE Select); coding-DNA position 191, C replaced by A.
Protein change: p.Thr64Asn; replaces threonine 64 with asparagine.
Molecular consequence: missense variant.
Genome position (GRCh38, 1-based): chr6:133,446,737, C>A. VCF-style: chr6-133446737-C-A. GRCh37 (hg19) VCF-style: chr6-133767875-C-A.
Other names: c.191C>A, p.Thr64Asn (NM_001301012.2, NM_001301013.2, NM_001370458.1 and 3 more transcripts); short protein forms T64N.
Identifiers: ClinVar variation 3709418 (VCV003709418.2).

ClinVar aggregate classification (germline): Uncertain significance (1 of 4 stars; one submission).

Conditions:
Dilated cardiomyopathy 1J (CMD1J). Also called: CARDIOMYOPATHY, DILATED, WITH SENSORINEURAL HEARING LOSS, AUTOSOMAL DOMINANT. Identifiers: Orphanet 217622, MedGen C1854368, MONDO:0011541, OMIM 605362.

gnomAD v4.1: 2 of 1,613,960 alleles (0.00012%); highest among the groups gnomAD compares: African/African-American, 0.0027%; no homozygotes.

Submission:

Labcorp Genetics (formerly Invitae), Labcorp
Classification: Uncertain significance for Dilated cardiomyopathy 1J. Last evaluated: 2024-08-21. Review status: criteria provided, single submitter. Criteria: Invitae Variant Classification Sherloc (09022015). Collection method: clinical testing. Allele origin: germline.
Comment: This sequence change replaces threonine, which is neutral and polar, with asparagine, which is neutral and polar, at codon 64 of the EYA4 protein (p.Thr64Asn). This variant is not present in population databases (gnomAD no frequency). This variant has not been reported in the literature in individuals affected with EYA4-related conditions. Invitae Evidence Modeling of protein sequence and biophysical properties (such as structural, functional, and spatial information, amino acid conservation, physicochemical variation, residue mobility, and thermodynamic stability) indicates that this missense variant is not expected to disrupt EYA4 protein function with a negative predictive value of 80%. In summary, the available evidence is currently insufficient to determine the role of this variant in disease. Therefore, it has been classified as a Variant of Uncertain Significance.